The following is an entry in ClinVar:

NM_001605.3(AARS1):c.2653A>G (p.Thr885Ala)

Gene: AARS1 (alanyl-tRNA synthetase 1; minus strand). Cytogenetic location: 16q22.1.
Variant type: single nucleotide variant.
Coding change: c.2653A>G on transcript NM_001605.3 (MANE Select); coding-DNA position 2653, A replaced by G.
Protein change: p.Thr885Ala; replaces threonine 885 with alanine.
Molecular consequence: missense variant.
Genome position (GRCh38, 1-based): chr16:70,253,336, T>C on the plus strand (A>G on the coding strand, the complement: AARS1 is on the minus strand). VCF-style: chr16-70253336-T-C. GRCh37 (hg19) VCF-style: chr16-70287239-T-C.
Other names: short protein forms T885A.
Identifiers: ClinVar variation 2003745 (VCV002003745.4), dbSNP rs2506988051, ClinGen allele CA396554736.

ClinVar aggregate classification (germline): Uncertain significance (1 of 4 stars; one submission).

Conditions:
Charcot-Marie-Tooth disease type 2. Also called: Charcot-Marie-Tooth type 2. Identifiers: Orphanet 64746, MedGen C0270914, MONDO:0018993.

Submission:

Labcorp Genetics (formerly Invitae), Labcorp
Classification: Uncertain significance for Charcot-Marie-Tooth disease type 2. Last evaluated: 2022-06-09. Review status: criteria provided, single submitter. Criteria: Invitae Variant Classification Sherloc (09022015). Collection method: clinical testing. Allele origin: germline.
Comment: This variant is not present in population databases (gnomAD no frequency). This sequence change replaces threonine, which is neutral and polar, with alanine, which is neutral and non-polar, at codon 885 of the AARS protein (p.Thr885Ala). This variant has not been reported in the literature in individuals affected with AARS-related conditions. In summary, the available evidence is currently insufficient to determine the role of this variant in disease. Therefore, it has been classified as a Variant of Uncertain Significance. Algorithms developed to predict the effect of missense changes on protein structure and function are either unavailable or do not agree on the potential impact of this missense change (SIFT: "Tolerated"; PolyPhen-2: "Probably Damaging"; Align-GVGD: "Class C0").